The following is an entry in ClinVar:

NM_001377.3(DYNC2H1):c.6634-1G>C

Gene: DYNC2H1 (dynein cytoplasmic 2 heavy chain 1; plus strand). Cytogenetic location: 11q22.3.
Variant type: single nucleotide variant.
Coding change: c.6634-1G>C on transcript NM_001377.3 (MANE Select); the canonical splice acceptor site of the intron before coding-DNA position 6634, G replaced by C.
Molecular consequence: splice acceptor variant.
Genome position (GRCh38, 1-based): chr11:103,186,241, G>C. VCF-style: chr11-103186241-G-C. GRCh37 (hg19) VCF-style: chr11-103056970-G-C.
Other names: c.6634-1G>C (NM_001080463.2).
Identifiers: ClinVar variation 2988963 (VCV002988963.3), dbSNP rs1862062786, ClinGen allele CA382249804.

ClinVar aggregate classification (germline): Likely pathogenic (1 of 4 stars; one submission).

Conditions:
Jeune thoracic dystrophy. Also called: Short-rib thoracic dysplasia; Infantile thoracic dystrophy; Thoracic pelvic phalangeal dystrophy; Jeune's syndrome; Chondroectodermal dysplasia-like syndrome; Jeune syndrome. Identifiers: Orphanet 474, MedGen C0265275, MONDO:0018770.

Submission:

Labcorp Genetics (formerly Invitae), Labcorp
Classification: Likely pathogenic for Jeune thoracic dystrophy. Last evaluated: 2024-05-20. Review status: criteria provided, single submitter. Criteria: Invitae Variant Classification Sherloc (09022015). Collection method: clinical testing. Allele origin: germline.
Comment: This sequence change affects an acceptor splice site in intron 41 of the DYNC2H1 gene. It is expected to disrupt RNA splicing. Variants that disrupt the donor or acceptor splice site typically lead to a loss of protein function (PMID: 16199547), and loss-of-function variants in DYNC2H1 are known to be pathogenic (PMID: 23339108, 32753734, 33755199). This variant is not present in population databases (gnomAD no frequency). This variant has not been reported in the literature in individuals affected with DYNC2H1-related conditions. Algorithms developed to predict the effect of sequence changes on RNA splicing suggest that this variant may disrupt the consensus splice site. In summary, the currently available evidence indicates that the variant is pathogenic, but additional data are needed to prove that conclusively. Therefore, this variant has been classified as Likely Pathogenic.

Literature cited by the submitters: PubMed 16199547; PubMed 23339108; PubMed 32753734; PubMed 33755199.